The following is an entry in ClinVar:

ClinVar aggregate classification (germline): Uncertain significance (1 of 4 stars; one submission).

Conditions:
Mevalonic aciduria (MEVA). Identifiers: Orphanet 29, MedGen C1959626, MONDO:0012481, OMIM 610377.
Hyperimmunoglobulin D with periodic fever (HIDS). Also called: Hyperimmunoglobulinemia D with periodic fever; HYPERIMMUNOGLOBULINEMIA D AND PERIODIC FEVER SYNDROME; Hyperimmunoglobulinemia D. Identifiers: Orphanet 343, MedGen C0398691, MONDO:0009849, OMIM 260920.
Porokeratosis 3, disseminated superficial actinic type (POROK3). Also called: POROKERATOSIS, DISSEMINATED SUPERFICIAL ACTINIC, 1; POROKERATOSIS 3, MULTIPLE TYPES; POROKERATOSIS 3, MIBELLI TYPE. Identifiers: MedGen C1867981, MONDO:0008293, OMIM 175900.

Submission:

Labcorp Genetics (formerly Invitae), Labcorp
Classification: Uncertain significance for Mevalonic aciduria; Hyperimmunoglobulin D with periodic fever; Porokeratosis 3, disseminated superficial actinic type. Last evaluated: 2024-02-17. Review status: criteria provided, single submitter. Criteria: Invitae Variant Classification Sherloc (09022015). Collection method: clinical testing. Allele origin: germline.
Comment: This sequence change replaces proline, which is neutral and non-polar, with alanine, which is neutral and non-polar, at codon 139 of the MVK protein (p.Pro139Ala). This variant is not present in population databases (gnomAD no frequency). This variant has not been reported in the literature in individuals affected with MVK-related conditions. Advanced modeling of protein sequence and biophysical properties (such as structural, functional, and spatial information, amino acid conservation, physicochemical variation, residue mobility, and thermodynamic stability) performed at Invitae indicates that this missense variant is not expected to disrupt MVK protein function with a negative predictive value of 80%. In summary, the available evidence is currently insufficient to determine the role of this variant in disease. Therefore, it has been classified as a Variant of Uncertain Significance.

NM_000431.4(MVK):c.415C>G (p.Pro139Ala)

Gene: MVK (mevalonate kinase; plus strand). Cytogenetic location: 12q24.11.
Variant type: single nucleotide variant.
Coding change: c.415C>G on transcript NM_000431.4 (MANE Select); coding-DNA position 415, C replaced by G.
Protein change: p.Pro139Ala; replaces proline 139 with alanine.
Molecular consequence: missense variant. On other transcripts: 5 prime UTR variant (1), non-coding transcript variant (3), intron variant (2).
Genome position (GRCh38, 1-based): chr12:109,581,438, C>G. VCF-style: chr12-109581438-C-G. GRCh37 (hg19) VCF-style: chr12-110019243-C-G.
Other names: c.415C>G, p.Pro139Ala (NM_001114185.3, NM_001414511.1, NM_001414512.1 and 1 more transcripts); c.-168C>G (NM_001414515.1); c.371+1492C>G (NM_001414514.1, NM_001301182.2); short protein forms P139A.
Identifiers: ClinVar variation 3751291 (VCV003751291.2).
Genomic context (GRCh38, chr12:109,581,438, plus strand): 5'-ACCCTGGTGTGTTTCAGGGCCCTGCCGAGCCTGGATATCGTAGTGTGGTCGGAGCTGCCC[C>G]CCGGGGCGGGCTTGGGCTCCAGCGCCGCCTACTCGGTGTGTCTGGCAGCAGCCCTCCTGA-3'
Protein context (NP_000422.1, residues 129-149): LDIVVWSELP[Pro139Ala]GAGLGSSAAY